The following is an entry in ClinVar:

NM_181078.3(IL21R):c.977C>T (p.Ala326Val)

Genes: IL21R (interleukin 21 receptor; plus strand), IL21R-AS1 (IL21R antisense RNA 1; minus strand). Cytogenetic location: 16p12.1.
Variant type: single nucleotide variant.
Coding change: c.977C>T on transcript NM_181078.3 (MANE Select); coding-DNA position 977, C replaced by T.
Protein change: p.Ala326Val; replaces alanine 326 with valine.
Molecular consequence: missense variant. On other transcripts: non-coding transcript variant (1).
Genome position (GRCh38, 1-based): chr16:27,448,643, C>T. VCF-style: chr16-27448643-C-T. GRCh37 (hg19) VCF-style: chr16-27459964-C-T.
Other names: c.977C>T, p.Ala326Val (NM_021798.4); c.1043C>T, p.Ala348Val (NM_181079.5); short protein forms A326V, A348V.
Identifiers: ClinVar variation 1020118 (VCV001020118.10), dbSNP rs773983329, ClinGen allele CA7975126.

ClinVar aggregate classification (germline): Uncertain significance (1 of 4 stars; one submission).

Conditions:
Cryptosporidiosis-chronic cholangitis-liver disease syndrome. Also called: IL21R immunodeficiency; Immunodeficiency type 56. Identifiers: Orphanet 357329, MedGen C3554687, MONDO:0014082, OMIM 615207.

Allele frequency attached by ClinVar (database versions not stated): ExAC 0.00001; gnomAD 0.00001 and 0.00002; gnomAD exomes 0.00002; TOPMed 0.00002.
gnomAD v4.1: 34 of 1,613,076 alleles (0.0021%); highest among the groups gnomAD compares: Middle Eastern, 0.016%; no homozygotes.

Submission:

Labcorp Genetics (formerly Invitae), Labcorp
Classification: Uncertain significance for Cryptosporidiosis-chronic cholangitis-liver disease syndrome. Last evaluated: 2022-05-17. Review status: criteria provided, single submitter. Criteria: Invitae Variant Classification Sherloc (09022015). Collection method: clinical testing. Allele origin: germline.
Comment: This sequence change replaces alanine, which is neutral and non-polar, with valine, which is neutral and non-polar, at codon 326 of the IL21R protein (p.Ala326Val). This variant is present in population databases (rs773983329, gnomAD 0.005%). This variant has not been reported in the literature in individuals affected with IL21R-related conditions. ClinVar contains an entry for this variant (Variation ID: 1020118). Algorithms developed to predict the effect of missense changes on protein structure and function output the following: SIFT: "Tolerated"; PolyPhen-2: "Benign"; Align-GVGD: "Class C0". The valine amino acid residue is found in multiple mammalian species, which suggests that this missense change does not adversely affect protein function. In summary, the available evidence is currently insufficient to determine the role of this variant in disease. Therefore, it has been classified as a Variant of Uncertain Significance.